The following is an entry in ClinVar:

ClinVar aggregate classification (germline): Likely benign (1 of 4 stars; one submission).

Allele frequency attached by ClinVar (database versions not stated): ExAC 0.00006; gnomAD exomes 0.00011; TOPMed 0.00011; gnomAD 0.00012; ESP Exome Variant Server 0.00023.
gnomAD v4.1: 179 of 1,612,912 alleles (0.011%); highest among the groups gnomAD compares: African/African-American, 0.016%; no homozygotes.

Submission:

CeGaT Center for Human Genetics Tuebingen
Classification: Likely benign. Last evaluated: 2022-11-01. Review status: criteria provided, single submitter. Criteria: CeGaT Center For Human Genetics Tuebingen Variant Classification Criteria Version 2. Collection method: clinical testing. Allele origin: germline. Affected: yes. Observed: 1 variant allele.
Comment: NEURL4: BP4, BP7

NM_032442.3(NEURL4):c.2769C>T (p.Asn923=)

Gene: NEURL4 (neuralized E3 ubiquitin protein ligase 4; minus strand). Cytogenetic location: 17p13.1.
Variant type: single nucleotide variant.
Coding change: c.2769C>T on transcript NM_032442.3 (MANE Select); coding-DNA position 2769, C replaced by T.
Protein change: p.Asn923=; no amino-acid change (asparagine 923 retained).
Molecular consequence: synonymous variant.
Genome position (GRCh38, 1-based): chr17:7,321,967, G>A on the plus strand (C>T on the coding strand, the complement: NEURL4 is on the minus strand). VCF-style: chr17-7321967-G-A. GRCh37 (hg19) VCF-style: chr17-7225286-G-A.
Other names: c.2763C>T, p.Asn921= (NM_001005408.2).
Identifiers: ClinVar variation 2647330 (VCV002647330.23), dbSNP rs376986944, ClinGen allele CA8342797.